The following is an entry in ClinVar:

ClinVar aggregate classification (germline): Uncertain significance (1 of 4 stars; one submission).

Conditions:
Mendelian susceptibility to mycobacterial diseases due to complete IL12RB1 deficiency. Also called: Immunodeficiency 30; IL12RB1 DEFICIENCY. Identifiers: Orphanet 319552, MedGen C4013949, MONDO:0013955, OMIM 614891.

Allele frequency attached by ClinVar (database versions not stated): 1000 Genomes Project 30x 0.00016; 1000 Genomes Project 0.00020; gnomAD 0.00001.
gnomAD v4.1: 2 of 1,609,574 alleles (0.00012%); highest among the groups gnomAD compares: Admixed American, 0.0033%; no homozygotes.

Submission:

Labcorp Genetics (formerly Invitae), Labcorp
Classification: Uncertain significance for Mendelian susceptibility to mycobacterial diseases due to complete IL12RB1 deficiency. Last evaluated: 2020-01-24. Review status: criteria provided, single submitter. Criteria: Invitae Variant Classification Sherloc (09022015). Collection method: clinical testing. Allele origin: germline.
Comment: This sequence change falls in intron 12 of the IL12RB1 gene. It does not directly change the encoded amino acid sequence of the IL12RB1 protein, but it affects a nucleotide within the consensus splice site of the intron. This variant is not present in population databases (ExAC no frequency). This variant has not been reported in the literature in individuals with IL12RB1-related conditions. Nucleotide substitutions within the consensus splice site are a relatively common cause of aberrant splicing (PMID: 17576681, 9536098). Algorithms developed to predict the effect of sequence changes on RNA splicing suggest that this variant may disrupt the consensus splice site, but this prediction has not been confirmed by published transcriptional studies. In summary, the available evidence is currently insufficient to determine the role of this variant in disease. Therefore, it has been classified as a Variant of Uncertain Significance.

Literature cited by the submitters: PubMed 17576681; PubMed 9536098.

NM_005535.3(IL12RB1):c.1483+5G>T

Gene: IL12RB1 (interleukin 12 receptor subunit beta 1; minus strand). Cytogenetic location: 19p13.11.
Variant type: single nucleotide variant.
Coding change: c.1483+5G>T on transcript NM_005535.3 (MANE Select); 5 bases into the intron after coding-DNA position 1483, G replaced by T.
Molecular consequence: intron variant.
Genome position (GRCh38, 1-based): chr19:18,066,537, C>A on the plus strand (G>T on the coding strand, the complement: IL12RB1 is on the minus strand). VCF-style: chr19-18066537-C-A. GRCh37 (hg19) VCF-style: chr19-18177347-C-A.
Other names: c.1603+5G>T (NM_001290024.2); c.1483+5G>T (NM_001290023.2); c.1504+5G>T (NM_001440425.1, NM_001440424.1).
Identifiers: ClinVar variation 854697 (VCV000854697.5), dbSNP rs574126894, ClinGen allele CA306161716.
Genomic context (GRCh38, chr19:18,066,537, plus strand): 5'-CAAGAGAGATCACAGGCCAGGATCCTCCCTTCCTCCCCAAGCCAGGTCTGCACTGCCTCA[C>A]GTACCTGACACCTGTTTGCTGTCTTCATCTCGGCAGCGGACAACATACTCCTTTAGGACG-3'